The following is an entry in ClinVar:

ClinVar aggregate classification (germline): Uncertain significance (1 of 4 stars; one submission).

gnomAD v4.1: 1 of 1,613,760 alleles (0.000062%); highest among the groups gnomAD compares: Non-Finnish European, 0.000085%; no homozygotes.

Submission:

GeneDx
Classification: Uncertain significance. Last evaluated: 2025-07-11. Review status: criteria provided, single submitter. Criteria: GeneDx Variant Classification Process June 2021. Collection method: clinical testing. Allele origin: germline. Affected: yes.
Comment: Not observed at significant frequency in large population cohorts (gnomAD); In silico analysis supports that this missense variant has a deleterious effect on protein structure/function; Has not been previously published as pathogenic or benign to our knowledge; This substitution is predicted to be within the C-terminal cytoplasmic domain

NM_172107.4(KCNQ2):c.1571C>T (p.Pro524Leu)

Gene: KCNQ2 (potassium voltage-gated channel subfamily Q member 2; minus strand). Cytogenetic location: 20q13.33.
Variant type: single nucleotide variant.
Coding change: c.1571C>T on transcript NM_172107.4 (MANE Select); coding-DNA position 1571, C replaced by T.
Protein change: p.Pro524Leu; replaces proline 524 with leucine.
Molecular consequence: missense variant.
Genome position (GRCh38, 1-based): chr20:63,414,148, G>A on the plus strand (C>T on the coding strand, the complement: KCNQ2 is on the minus strand). VCF-style: chr20-63414148-G-A. GRCh37 (hg19) VCF-style: chr20-62045501-G-A.
Other names: c.1517C>T, p.Pro506Leu (NM_001382235.1, NM_172106.3); c.1514C>T, p.Pro505Leu (NM_001439003.1); c.1484C>T, p.Pro495Leu (NM_001439004.1); c.1487C>T, p.Pro496Leu (NM_004518.6); c.1478C>T, p.Pro493Leu (NM_172108.5); short protein forms P493L, P495L, P496L, P505L, P506L, P524L.
Identifiers: ClinVar variation 4685264 (VCV004685264.1).